The following is an entry in ClinVar:

NM_016729.3(FOLR1):c.190G>T (p.Ala64Ser)

Genes: FOLR1 (folate receptor alpha; plus strand), FOLR1-AS1 (FOLR1 antisense RNA 1; minus strand). Cytogenetic location: 11q13.4.
Variant type: single nucleotide variant.
Coding change: c.190G>T on transcript NM_016729.3 (MANE Select); coding-DNA position 190, G replaced by T.
Protein change: p.Ala64Ser; replaces alanine 64 with serine.
Molecular consequence: missense variant.
Genome position (GRCh38, 1-based): chr11:72,195,292, G>T. VCF-style: chr11-72195292-G-T. GRCh37 (hg19) VCF-style: chr11-71906336-G-T.
Other names: c.190G>T, p.Ala64Ser (NM_000802.3, NM_016724.3, NM_016725.3); short protein forms A64S.
Identifiers: ClinVar variation 429856 (VCV000429856.7), dbSNP rs1131691637, ClinGen allele CA381731727.

ClinVar aggregate classification (germline): Conflicting classifications of pathogenicity. Review status: criteria provided, conflicting classifications (1 of 4 stars). 4 submissions from 4 submitters: Uncertain significance (3); Likely benign (1). Last evaluated 2025-06-07.

Conditions:
Cerebral folate transport deficiency. Also called: Neurodegenerative syndrome due to cerebral folate transport deficiency; NEURODEGENERATION DUE TO CEREBRAL FOLATE TRANSPORT DEFICIENCY; FOLATE RECEPTOR DEFICIENCY; FOLR1-Related Cerebral Folate Transport Deficiency; Cerebral folate deficiency syndrome. Identifiers: Orphanet 217382, MedGen C2751584, MONDO:0013110, OMIM 613068. Disease mechanism: loss of function.
Inborn genetic diseases. Identifiers: MedGen C0950123, MeSH D030342.

Allele frequency attached by ClinVar (database versions not stated): gnomAD exomes below 0.00001.
gnomAD v4.1: 1 of 1,614,016 alleles (0.000062%); highest among the groups gnomAD compares: Admixed American, 0.0017%; no homozygotes.

Submissions (4):

Ambry Genetics
Classification: Likely benign for Inborn genetic diseases. Last evaluated: 2025-06-07. Review status: criteria provided, single submitter. Criteria: Ambry Variant Classification Scheme 2023. Collection method: clinical testing. Allele origin: germline.

Labcorp Genetics (formerly Invitae), Labcorp
Classification: Uncertain significance for Cerebral folate transport deficiency. Last evaluated: 2022-02-09. Review status: criteria provided, single submitter. Criteria: Invitae Variant Classification Sherloc (09022015). Collection method: clinical testing. Allele origin: germline.
Comment: This sequence change replaces alanine, which is neutral and non-polar, with serine, which is neutral and polar, at codon 64 of the FOLR1 protein (p.Ala64Ser). This variant is present in population databases (no rsID available, gnomAD 0.003%). This variant has not been reported in the literature in individuals affected with FOLR1-related conditions. ClinVar contains an entry for this variant (Variation ID: 429856). Algorithms developed to predict the effect of missense changes on protein structure and function output the following: SIFT: "Tolerated"; PolyPhen-2: "Benign"; Align-GVGD: "Class C0". The serine amino acid residue is found in multiple mammalian species, which suggests that this missense change does not adversely affect protein function. In summary, the available evidence is currently insufficient to determine the role of this variant in disease. Therefore, it has been classified as a Variant of Uncertain Significance.

Baylor Genetics
Classification: Uncertain significance for Cerebral folate transport deficiency. Last evaluated: 2019-01-28. Review status: criteria provided, single submitter. Criteria: ACMG Guidelines, 2015. Collection method: clinical testing. Allele origin: paternal. Affected: yes.
Comment: This variant was determined to be of uncertain significance according to ACMG Guidelines, 2015 [PMID:25741868].

GeneDx
Classification: Uncertain significance. Last evaluated: 2017-05-15. Review status: criteria provided, single submitter. Criteria: GeneDx Variant Classification (06012015). Collection method: clinical testing. Allele origin: germline. Affected: yes.
Comment: A variant of uncertain significance has been identified in the FOLR1 gene. The A64S variant has not been published as a pathogenic variant, nor has it been reported as a benign variant to our knowledge. The A64S variant is not observed in large population cohorts (Lek et al., 2016; 1000 Genomes Consortium et al., 2015; Exome Variant Server). The A64S variant is a non-conservative amino acid substitution, which is likely to impact secondary protein structure as these residues differ in polarity, charge, size and/or other properties. A missense variant in a nearby residue (C65W) has been reported in the Human Gene Mutation Database in association with cerebral folate deficiency (Stenson et al., 2014). However, this substitution occurs at a position that is not conserved, and in silico analysis predicts this variant likely does not alter the protein structure/function. Therefore, based on the currently available information, it is unclear whether this variant is a pathogenic variant or a rare benign variant.